The following is an entry in ClinVar:

ClinVar aggregate classification (germline): Likely pathogenic. Review status: criteria provided, multiple submitters, no conflicts (2 of 4 stars). 3 submissions from 3 submitters: Likely pathogenic (3). Last evaluated 2025-09-22.

Conditions:
Ehlers-Danlos syndrome, type 4 (EDSVASC). Also called: Ehlers-Danlos syndrome vascular type; Ehlers Danlos syndrome, ecchymotic type; Ehlers Danlos syndrome, arterial type; Ehlers Danlos syndrome, Sack-Barabas type; Ehlers-Danlos Syndrome Type IV. Identifiers: Orphanet 286, MedGen C0268338, MONDO:0017314, OMIM 130050.
Familial thoracic aortic aneurysm and aortic dissection (TAAD). Also called: Thoracic aortic aneurysms and dissections. Identifiers: Orphanet 91387, MedGen C4707243, MONDO:0019625.

Allele frequency attached by ClinVar (database versions not stated): ExAC 0.00001; gnomAD 0.00001; gnomAD exomes 0.00001; 1000 Genomes Project 30x 0.00016; 1000 Genomes Project 0.00020.
gnomAD v4.1: 5 of 1,612,416 alleles (0.00031%); highest among the groups gnomAD compares: South Asian, 0.0011%; no homozygotes.

Submissions (3):

Color Diagnostics, LLC DBA Color Health
Classification: Likely pathogenic for Familial thoracic aortic aneurysm and aortic dissection. Last evaluated: 2025-09-22. Review status: criteria provided, single submitter. Criteria: ACMG Guidelines, 2015. Collection method: clinical testing. Allele origin: germline.
Comment: This variant causes a T to C nucleotide substitution at the +2 position of intron 11 of the COL3A1 gene. Splice site prediction tools predict that this variant may cause aberrant splicing due to in-frame skipping of exon 11 or activation of a cryptic donor site. This variant is expected to result in an absent or disrupted protein product and impair COL3A1 function. This variant has not been reported in individuals affected with COL3A1-related disorders in the literature. This variant has been identified in 2/250876 chromosomes in the general population by the Genome Aggregation Database (gnomAD). Loss of COL3A1 function is a known mechanism of disease. Based on the available evidence, this variant is classified as Likely Pathogenic.

All of Us Research Program, National Institutes of Health
Classification: Likely pathogenic for Ehlers-Danlos syndrome, type 4. Last evaluated: 2024-09-16. Review status: criteria provided, single submitter. Criteria: ACMG Guidelines, 2015. Collection method: clinical testing. Allele origin: germline. Inheritance: Autosomal dominant inheritance. Observed: 2 variant alleles, 2 heterozygotes.
Comment: The c.852+2T>C intronic variant is located at the canonical donor splice site of intron 11 of the COL3A1 gene, that encodes for collagen type III alpha 1 chain. This variant has not been reported in individuals with COL3A1-associated vascular Ehlers-Danlos syndrome (vEDS) in the literature. In-silico computational prediction tools suggest that the c.852+2T>C variant may lead to donor loss (SpliceAI score: donor loss: 0.63, donor gain (+29bp): 0.43) and may disturb normal splicing, resulting in aberrant or absence of protein product (PMID: 16199547) which may result in in-frame skipping of exon 11; however, functional studies have not been reported proving the splicing defect of this variant. ClinVar contains an entry for this variant (ID: 664722). This variant is rare (5/779970 chromosomes; 0.0006%) in the general population database gnomAD v4.0.0. Glycine substitutions, splice-site and in-frame insertions and deletions, and loss-of-function variants are all known causes of COL3A1-associated vEDS (PMID 25758994, 29346445,11577371, 24922459, 24650746). Therefore, the c.852+2T>C variant in COL3A1 gene is classified as likely pathogenic.

This study involves interpretation of variants in research participants for the purpose of population health screening. Participant phenotype was not available at the time of variant classification. Additional details can be found in publication PMID: 35346344, PMCID: PMC8962531

Labcorp Genetics (formerly Invitae), Labcorp
Classification: Likely pathogenic for Ehlers-Danlos syndrome, type 4. Last evaluated: 2022-03-26. Review status: criteria provided, single submitter. Criteria: Invitae Variant Classification Sherloc (09022015). Collection method: clinical testing. Allele origin: germline.
Comment: In summary, the currently available evidence indicates that the variant is pathogenic, but additional data are needed to prove that conclusively. Therefore, this variant has been classified as Likely Pathogenic. Algorithms developed to predict the effect of sequence changes on RNA splicing suggest that this variant may disrupt the consensus splice site. ClinVar contains an entry for this variant (Variation ID: 664722). This variant has not been reported in the literature in individuals affected with COL3A1-related conditions. This variant is present in population databases (rs201314784, gnomAD 0.003%). This sequence change affects a donor splice site in intron 11 of the COL3A1 gene. It is expected to disrupt RNA splicing. Variants that disrupt the donor or acceptor splice site typically lead to a loss of protein function (PMID: 16199547), and loss-of-function variants in COL3A1 are known to be pathogenic (PMID: 24922459).

Literature cited by the submitters: PubMed 16199547 (cited by All of Us Research Program, National Institutes of Health and Labcorp Genetics (formerly Invitae), Labcorp); PubMed 24922459 (cited by Labcorp Genetics (formerly Invitae), Labcorp).

NM_000090.4(COL3A1):c.852+2T>C

Gene: COL3A1 (collagen type III alpha 1 chain; plus strand). Cytogenetic location: 2q32.2.
Variant type: single nucleotide variant.
Coding change: c.852+2T>C on transcript NM_000090.4 (MANE Select); the canonical splice donor site of the intron after coding-DNA position 852, T replaced by C.
Molecular consequence: splice donor variant.
Genome position (GRCh38, 1-based): chr2:188,991,059, T>C. VCF-style: chr2-188991059-T-C. GRCh37 (hg19) VCF-style: chr2-189855785-T-C.
Identifiers: ClinVar variation 664722 (VCV000664722.9), dbSNP rs201314784, ClinGen allele CA076987.
Genomic context (GRCh38, chr2:188,991,059, plus strand): 5'-CCTAGGGCTTCGATGGACGAAATGGAGAAAAGGGTGAAACAGGTGCTCCTGGATTAAAGG[T>C]AAATCACAACAAAAATCATATTTTCATAAGTAAATTCATTAAATATTAAAGCTACATATA-3'